The following is an entry in ClinVar:

NM_004380.3(CREBBP):c.2485C>A (p.Leu829Ile)

Gene: CREBBP (CREB binding lysine acetyltransferase; minus strand). Cytogenetic location: 16p13.3.
Variant type: single nucleotide variant.
Coding change: c.2485C>A on transcript NM_004380.3 (MANE Select); coding-DNA position 2485, C replaced by A.
Protein change: p.Leu829Ile; replaces leucine 829 with isoleucine.
Molecular consequence: missense variant.
Genome position (GRCh38, 1-based): chr16:3,770,965, G>T on the plus strand (C>A on the coding strand, the complement: CREBBP is on the minus strand). VCF-style: chr16-3770965-G-T. GRCh37 (hg19) VCF-style: chr16-3820966-G-T.
Other names: c.2371C>A, p.Leu791Ile (NM_001079846.1); short protein forms L791I, L829I.
Identifiers: ClinVar variation 3350215 (VCV003350215.2).

ClinVar aggregate classification (germline): Uncertain significance (1 of 4 stars; one submission).

Conditions:
CREBBP-related disorder. Also called: CREBBP-related disorders; CREBBP-related condition.

Submission:

PreventionGenetics, part of Exact Sciences
Classification: Uncertain significance for CREBBP-related condition. Last evaluated: 2024-12-31. Review status: criteria provided, single submitter. Criteria: ACMG Guidelines, 2015. Collection method: clinical testing. Allele origin: germline.
Comment: The CREBBP c.2485C>A variant is predicted to result in the amino acid substitution p.Leu829Ile. To our knowledge, this variant has not been reported in the literature or in a large population database (gnomAD), indicating this variant is rare. At this time, the clinical significance of this variant is uncertain due to the absence of conclusive functional and genetic evidence.